The following is an entry in ClinVar:

NM_006371.5(CRTAP):c.8del (p.Pro3fs)

Genes: CRTAP (cartilage associated protein; plus strand), LOC129936436 (ATAC-STARR-seq lymphoblastoid silent region 14183; plus strand). Cytogenetic location: 3p22.3.
Variant type: Deletion.
Coding change: c.8del on transcript NM_006371.5 (MANE Select); coding-DNA position 8, one base deleted (C; older notation c.8delC).
Protein change: p.Pro3fs; shifts the reading frame from proline 3.
Molecular consequence: frameshift variant.
Genome position (GRCh38, 1-based): chr3:33,114,085, C deleted; the last of 2 consecutive C bases (chr3:33,114,084-33,114,085); deleting either gives the same sequence. VCF-style (leftmost placement, unchanged base first): chr3-33114083-GC-G. GRCh37 (hg19) VCF-style: chr3-33155575-GC-G.
Other names: short protein forms P3fs.
Identifiers: ClinVar variation 855093 (VCV000855093.7), dbSNP rs1701306294, ClinGen allele CA916081429.

ClinVar aggregate classification (germline): Pathogenic (1 of 4 stars; one submission).

Conditions:
Osteogenesis imperfecta type 7 (OI7). Also called: OI type 7; OI type VII; OSTEOGENESIS IMPERFECTA, TYPE IIB; Osteogenesis imperfecta type 2B; OI type 2B; Osteogenesis imperfecta, perinatal lethal autosomal recessive. Identifiers: MedGen C1853162, MONDO:0012536, OMIM 610682.

Submission:

Labcorp Genetics (formerly Invitae), Labcorp
Classification: Pathogenic for Osteogenesis imperfecta type 7. Last evaluated: 2025-08-04. Review status: criteria provided, single submitter. Criteria: Invitae Variant Classification Sherloc (09022015). Collection method: clinical testing. Allele origin: germline.
Comment: This sequence change creates a premature translational stop signal (p.Pro3Argfs*10) in the CRTAP gene. It is expected to result in an absent or disrupted protein product. Loss-of-function variants in CRTAP are known to be pathogenic (PMID: 17055431, 19862557, 24715559). This variant is not present in population databases (gnomAD no frequency). This variant has not been reported in the literature in individuals affected with CRTAP-related conditions. ClinVar contains an entry for this variant (Variation ID: 855093). For these reasons, this variant has been classified as Pathogenic.

Literature cited by the submitters: PubMed 17055431; PubMed 19862557; PubMed 24715559.